The following is an entry in ClinVar:

ClinVar aggregate classification (germline): Pathogenic (1 of 4 stars; one submission).

Conditions:
Fanconi anemia (FA). Also called: Fanconi's anemia. Identifiers: Orphanet 84, MedGen C0015625, MeSH D005199, MONDO:0019391.

Submission:

Labcorp Genetics (formerly Invitae), Labcorp
Classification: Pathogenic for Fanconi anemia. Last evaluated: 2022-10-22. Review status: criteria provided, single submitter. Criteria: Invitae Variant Classification Sherloc (09022015). Collection method: clinical testing. Allele origin: germline.
Comment: This sequence change creates a premature translational stop signal (p.Phe299Leufs*12) in the FANCA gene. It is expected to result in an absent or disrupted protein product. Loss-of-function variants in FANCA are known to be pathogenic (PMID: 19367192). This variant is not present in population databases (gnomAD no frequency). This variant has not been reported in the literature in individuals affected with FANCA-related conditions. For these reasons, this variant has been classified as Pathogenic.

Literature cited by the submitters: PubMed 19367192.

NM_000135.4(FANCA):c.897del (p.Phe299fs)

Gene: FANCA (FA complementation group A; minus strand). Cytogenetic location: 16q24.3.
Variant type: Deletion.
Coding change: c.897del on transcript NM_000135.4 (MANE Select); coding-DNA position 897, one base deleted (C; older notation c.897delC).
Protein change: p.Phe299fs; shifts the reading frame from phenylalanine 299.
Molecular consequence: frameshift variant.
Genome position (GRCh38, 1-based): chr16:89,796,015, G deleted on the plus strand (C on the coding strand, the reverse complement: FANCA is on the minus strand). VCF-style (leftmost placement, unchanged base first): chr16-89796014-CG-C. GRCh37 (hg19) VCF-style: chr16-89862422-CG-C.
Other names: c.897del, p.Phe299fs (NM_001286167.3); short protein forms F299fs.
Identifiers: ClinVar variation 2036319 (VCV002036319.4), dbSNP rs2544288758, ClinGen allele CA2580092397.